The following is an entry in ClinVar:

ClinVar aggregate classification (germline): Benign/Likely benign. Review status: criteria provided, multiple submitters, no conflicts (2 of 4 stars). 3 submissions from 3 submitters: Benign (1); Likely benign (1). 1 of the submissions does not count toward it. Last evaluated 2024-05-06.

Conditions:
MYH14-related disorder. Also called: MYH14-related condition.

Allele frequency attached by ClinVar (database versions not stated): gnomAD exomes 0.00015; ESP Exome Variant Server 0.00016; ExAC 0.00018; gnomAD 0.00057 and 0.00058; TOPMed 0.00065; 1000 Genomes Project 30x 0.00125; 1000 Genomes Project 0.00140.
gnomAD v4.1: 164 of 1,552,554 alleles (0.011%); highest among the groups gnomAD compares: African/African-American, 0.19%; no homozygotes.

Submissions (3):

Labcorp Genetics (formerly Invitae), Labcorp
Classification: Benign. Last evaluated: 2024-05-06. Review status: criteria provided, single submitter. Criteria: Invitae Variant Classification Sherloc (09022015). Collection method: clinical testing. Allele origin: germline.

Blueprint Genetics
Classification: Likely benign. Last evaluated: 2023-07-12. Review status: criteria provided, single submitter. Criteria: ACMG Guidelines, 2015. Collection method: clinical testing. Allele origin: germline.

PreventionGenetics, part of Exact Sciences
Classification: Likely benign for MYH14-related condition. Last evaluated: 2019-11-04. Review status: no assertion criteria provided. Collection method: clinical testing. Allele origin: germline. Not counted in ClinVar's aggregate classification.
Comment: This variant is classified as likely benign based on ACMG/AMP sequence variant interpretation guidelines (Richards et al. 2015 PMID: 25741868, with internal and published modifications).

NM_001145809.2(MYH14):c.693+10C>T

Gene: MYH14 (myosin heavy chain 14; plus strand). Cytogenetic location: 19q13.33.
Variant type: single nucleotide variant.
Coding change: c.693+10C>T on transcript NM_001145809.2 (MANE Select); 10 bases into the intron after coding-DNA position 693, C replaced by T.
Molecular consequence: intron variant.
Genome position (GRCh38, 1-based): chr19:50,223,359, C>T. VCF-style: chr19-50223359-C-T. GRCh37 (hg19) VCF-style: chr19-50726616-C-T.
Other names: c.693+10C>T (NM_001077186.2, NM_024729.4, NM_001145809.1).
Identifiers: ClinVar variation 726155 (VCV000726155.8), dbSNP rs186027440, ClinGen allele CA9592345.
Genomic context (GRCh38, chr19:50,223,359, plus strand): 5'-CTCGCCCACGTGGCGTCGTCTCCAAAGGGCAGGAAGGAGCCGGGTGTCCCCGTAAGCAAC[C>T]CCGCCTTGGGTCACCCCCGGGCCCTGCCACAGCACTGCCCCTTCCATCTTGGGCTTTCCC-3'